The following is an entry in ClinVar:

NM_006901.4(MYO9A):c.3429C>T (p.Ile1143=)

Gene: MYO9A (myosin IXA; minus strand). Cytogenetic location: 15q23.
Variant type: single nucleotide variant.
Coding change: c.3429C>T on transcript NM_006901.4 (MANE Select); coding-DNA position 3429, C replaced by T.
Protein change: p.Ile1143=; no amino-acid change (isoleucine 1143 retained).
Molecular consequence: synonymous variant.
Genome position (GRCh38, 1-based): chr15:71,899,728, G>A on the plus strand (C>T on the coding strand, the complement: MYO9A is on the minus strand). VCF-style: chr15-71899728-G-A. GRCh37 (hg19) VCF-style: chr15-72192069-G-A.
Other names: c.3429C>T (NM_006901.3).
Identifiers: ClinVar variation 807283 (VCV000807283.44), dbSNP rs150655401, ClinGen allele CA7641562.

ClinVar aggregate classification (germline): Conflicting classifications of pathogenicity. Review status: criteria provided, conflicting classifications (1 of 4 stars). 4 submissions from 4 submitters: Uncertain significance (2); Likely benign (1). 1 of the submissions does not count toward it. Last evaluated 2024-08-06.

Conditions:
MYO9A-related disorder. Also called: MYO9A-related condition.

Allele frequency attached by ClinVar (database versions not stated): gnomAD exomes 0.00049; ExAC 0.00063; gnomAD 0.00154 and 0.00162; ESP Exome Variant Server 0.00192; 1000 Genomes Project 0.00180; 1000 Genomes Project 30x 0.00187; TOPMed 0.00187.
gnomAD v4.1: 522 of 1,613,970 alleles (0.032%); highest among the groups gnomAD compares: African/African-American, 0.52%; 1 homozygote.

Submissions (4):

Blueprint Genetics
Classification: Likely benign. Last evaluated: 2024-08-06. Review status: criteria provided, single submitter. Criteria: ACMG Guidelines, 2015. Collection method: clinical testing. Allele origin: germline.

CeGaT Center for Human Genetics Tuebingen
Classification: Uncertain significance. Last evaluated: 2018-03-01. Review status: criteria provided, single submitter. Criteria: CeGaT Center For Human Genetics Tuebingen Variant Classification Criteria Version 2. Collection method: clinical testing. Allele origin: germline. Affected: yes. Observed: 1 variant allele.

Breakthrough Genomics
Classification: Uncertain significance. Review status: criteria provided, single submitter. Criteria: ACMG Guidelines, 2015. Collection method: not provided. Allele origin: germline. Inheritance: Autosomal recessive inheritance. Affected: yes.

PreventionGenetics, part of Exact Sciences
Classification: Likely benign for MYO9A-related condition. Last evaluated: 2024-08-21. Review status: no assertion criteria provided. Collection method: clinical testing. Allele origin: germline. Not counted in ClinVar's aggregate classification.
Comment: This variant is classified as likely benign based on ACMG/AMP sequence variant interpretation guidelines (Richards et al. 2015 PMID: 25741868, with internal and published modifications).